The following is an entry in ClinVar:

NM_000160.5(GCGR):c.286G>A (p.Val96Met)

Gene: GCGR (glucagon receptor; plus strand). Cytogenetic location: 17q25.3.
Variant type: single nucleotide variant.
Coding change: c.286G>A on transcript NM_000160.5 (MANE Select); coding-DNA position 286, G replaced by A.
Protein change: p.Val96Met; replaces valine 96 with methionine.
Molecular consequence: missense variant.
Genome position (GRCh38, 1-based): chr17:81,811,024, G>A. VCF-style: chr17-81811024-G-A. GRCh37 (hg19) VCF-style: chr17-79768900-G-A.
Other names: short protein forms V96M.
Identifiers: ClinVar variation 1903449 (VCV001903449.5), dbSNP rs1240225006, ClinGen allele CA401493139.
Genomic context (GRCh38, chr17:81,811,024, plus strand): 5'-GCGGGCCCAGGGTGGGGCTGACCCCAGCCTCCCCCCACACCCCCAGTGCAACACCGCTTC[G>A]TGTTCAAGAGATGCGGGCCCGACGGTCAGTGGGTGCGTGGACCCCGGGGGCAGCCTTGGC-3'
Protein context (NP_000151.1, residues 86-106): PWHHKVQHRF[Val96Met]FKRCGPDGQW

ClinVar aggregate classification (germline): Uncertain significance (1 of 4 stars; one submission).

Allele frequency attached by ClinVar (database versions not stated): gnomAD exomes 0.00001; gnomAD 0.00002; TOPMed 0.00003.
gnomAD v4.1: 18 of 1,535,974 alleles (0.0012%); highest among the groups gnomAD compares: Admixed American, 0.0098%; no homozygotes.

Submission:

Labcorp Genetics (formerly Invitae), Labcorp
Classification: Uncertain significance. Last evaluated: 2022-06-23. Review status: criteria provided, single submitter. Criteria: Invitae Variant Classification Sherloc (09022015). Collection method: clinical testing. Allele origin: germline.
Comment: This sequence change replaces valine, which is neutral and non-polar, with methionine, which is neutral and non-polar, at codon 96 of the GCGR protein (p.Val96Met). This variant is present in population databases (no rsID available, gnomAD 0.008%). This variant has not been reported in the literature in individuals affected with GCGR-related conditions. Algorithms developed to predict the effect of missense changes on protein structure and function are either unavailable or do not agree on the potential impact of this missense change (SIFT: "Deleterious"; PolyPhen-2: "Probably Damaging"; Align-GVGD: "Class C0"). In summary, the available evidence is currently insufficient to determine the role of this variant in disease. Therefore, it has been classified as a Variant of Uncertain Significance.